The following is an entry in ClinVar:

ClinVar aggregate classification (germline): Uncertain significance. Review status: criteria provided, multiple submitters, no conflicts (2 of 4 stars). 2 submissions from 2 submitters: Uncertain significance (2). Last evaluated 2023-08-03.

Submissions (2):

Labcorp Genetics (formerly Invitae), Labcorp
Classification: Uncertain significance. Last evaluated: 2023-08-03. Review status: criteria provided, single submitter. Criteria: Invitae Variant Classification Sherloc (09022015). Collection method: clinical testing. Allele origin: germline.
Comment: This sequence change replaces proline, which is neutral and non-polar, with serine, which is neutral and polar, at codon 640 of the MAGEL2 protein (p.Pro640Ser). This variant is not present in population databases (gnomAD no frequency). This variant has not been reported in the literature in individuals affected with MAGEL2-related conditions. ClinVar contains an entry for this variant (Variation ID: 1335165). Advanced modeling of protein sequence and biophysical properties (such as structural, functional, and spatial information, amino acid conservation, physicochemical variation, residue mobility, and thermodynamic stability) performed at Invitae indicates that this missense variant is not expected to disrupt MAGEL2 protein function. In summary, the available evidence is currently insufficient to determine the role of this variant in disease. Therefore, it has been classified as a Variant of Uncertain Significance.

CeGaT Center for Human Genetics Tuebingen
Classification: Uncertain significance. Last evaluated: 2021-12-01. Review status: criteria provided, single submitter. Criteria: CeGaT Center For Human Genetics Tuebingen Variant Classification Criteria Version 2. Collection method: clinical testing. Allele origin: germline. Affected: yes. Observed: 1 variant allele.

NM_019066.5(MAGEL2):c.1918C>T (p.Pro640Ser)

Gene: MAGEL2 (MAGE family member L2; minus strand). Cytogenetic location: 15q11.2.
Variant type: single nucleotide variant.
Coding change: c.1918C>T on transcript NM_019066.5 (MANE Select); coding-DNA position 1918, C replaced by T.
Protein change: p.Pro640Ser; replaces proline 640 with serine.
Molecular consequence: missense variant.
Genome position (GRCh38, 1-based): chr15:23,645,825, G>A on the plus strand (C>T on the coding strand, the complement: MAGEL2 is on the minus strand). VCF-style: chr15-23645825-G-A. GRCh37 (hg19) VCF-style: chr15-23890972-G-A.
Other names: short protein forms P640S.
Identifiers: ClinVar variation 1335165 (VCV001335165.38), dbSNP rs2140714733, ClinGen allele CA391333046.